The following is an entry in ClinVar:

NM_000140.5(FECH):c.689A>C (p.His230Pro)

Gene: FECH (ferrochelatase; minus strand). Cytogenetic location: 18q21.31.
Variant type: single nucleotide variant.
Coding change: c.689A>C on transcript NM_000140.5 (MANE Select); coding-DNA position 689, A replaced by C.
Protein change: p.His230Pro; replaces histidine 230 with proline.
Molecular consequence: missense variant.
Genome position (GRCh38, 1-based): chr18:57,562,890, T>G on the plus strand (A>C on the coding strand, the complement: FECH is on the minus strand). VCF-style: chr18-57562890-T-G. GRCh37 (hg19) VCF-style: chr18-55230122-T-G.
Other names: c.707A>C, p.His236Pro (NM_001012515.4); c.689A>C, p.His230Pro (NM_001371094.1, NM_001374778.1); c.473A>C, p.His158Pro (NM_001371095.1); short protein forms H236P, H230P, H158P.
Identifiers: ClinVar variation 2801827 (VCV002801827.3), dbSNP rs1254896300, ClinGen allele CA402535855.

ClinVar aggregate classification (germline): Uncertain significance (1 of 4 stars; one submission).

gnomAD v4.1: 1 of 1,614,010 alleles (0.000062%); highest among the groups gnomAD compares: Non-Finnish European, 0.000085%; no homozygotes.

Submission:

Labcorp Genetics (formerly Invitae), Labcorp
Classification: Uncertain significance. Last evaluated: 2022-12-28. Review status: criteria provided, single submitter. Criteria: Invitae Variant Classification Sherloc (09022015). Collection method: clinical testing. Allele origin: germline.
Comment: In summary, the available evidence is currently insufficient to determine the role of this variant in disease. Therefore, it has been classified as a Variant of Uncertain Significance. Advanced modeling of protein sequence and biophysical properties (such as structural, functional, and spatial information, amino acid conservation, physicochemical variation, residue mobility, and thermodynamic stability) performed at Invitae indicates that this missense variant is expected to disrupt FECH protein function. This variant has not been reported in the literature in individuals affected with FECH-related conditions. This variant is not present in population databases (gnomAD no frequency). This sequence change replaces histidine, which is basic and polar, with proline, which is neutral and non-polar, at codon 230 of the FECH protein (p.His230Pro).